The following is an entry in ClinVar:

ClinVar aggregate classification (germline): Uncertain significance. Review status: criteria provided, multiple submitters, no conflicts (2 of 4 stars). 2 submissions from 2 submitters: Uncertain significance (2). Last evaluated 2025-04-08.

Conditions:
Inborn genetic diseases. Identifiers: MedGen C0950123, MeSH D030342.
Pulmonary fibrosis and/or bone marrow failure, Telomere-related, 3. Also called: PULMONARY FIBROSIS AND/OR BONE MARROW FAILURE SYNDROME, TELOMERE-RELATED, 3. Identifiers: Orphanet 2032, MedGen C4225346, MONDO:0014613, OMIM 616373.
Dyskeratosis congenita, autosomal recessive 5 (DKCB5). Identifiers: MedGen C3554656, MONDO:0014076, OMIM 615190.

Submissions (2):

Labcorp Genetics (formerly Invitae), Labcorp
Classification: Uncertain significance for Dyskeratosis congenita, autosomal recessive 5; Pulmonary fibrosis and/or bone marrow failure, Telomere-related, 3. Last evaluated: 2025-04-08. Review status: criteria provided, single submitter. Criteria: Invitae Variant Classification Sherloc (09022015). Collection method: clinical testing. Allele origin: germline.
Comment: This sequence change replaces leucine, which is neutral and non-polar, with methionine, which is neutral and non-polar, at codon 1135 of the RTEL1 protein (p.Leu1135Met). This variant is not present in population databases (gnomAD no frequency). This variant has not been reported in the literature in individuals affected with RTEL1-related conditions. An algorithm developed to predict the effect of missense changes on protein structure and function (PolyPhen-2) suggests that this variant is likely to be disruptive. In summary, the available evidence is currently insufficient to determine the role of this variant in disease. Therefore, it has been classified as a Variant of Uncertain Significance.

Ambry Genetics
Classification: Uncertain significance for Inborn genetic diseases. Last evaluated: 2024-12-21. Review status: criteria provided, single submitter. Criteria: Ambry Variant Classification Scheme 2023. Collection method: clinical testing. Allele origin: germline.
Comment: The p.L1135M variant (also known as c.3403C>A), located in coding exon 32 of the RTEL1 gene, results from a C to A substitution at nucleotide position 3403. The leucine at codon 1135 is replaced by methionine, an amino acid with highly similar properties. This amino acid position is conserved. In addition, the in silico prediction for this alteration is inconclusive. Based on the available evidence, the clinical significance of this variant remains unclear.

NM_001283009.2(RTEL1):c.3403C>A (p.Leu1135Met)

Genes: RTEL1 (regulator of telomere elongation helicase 1; plus strand), RTEL1-TNFRSF6B (RTEL1-TNFRSF6B readthrough (NMD candidate); plus strand). Cytogenetic location: 20q13.33.
Variant type: single nucleotide variant.
Coding change: c.3403C>A on transcript NM_001283009.2 (MANE Select); coding-DNA position 3403, C replaced by A.
Protein change: p.Leu1135Met; replaces leucine 1135 with methionine.
Molecular consequence: missense variant. On other transcripts: non-coding transcript variant (1).
Genome position (GRCh38, 1-based): chr20:63,695,125, C>A. VCF-style: chr20-63695125-C-A. GRCh37 (hg19) VCF-style: chr20-62326478-C-A.
Other names: c.2734C>A, p.Leu912Met (NM_001283010.1); c.3403C>A, p.Leu1135Met (NM_016434.4); c.3475C>A, p.Leu1159Met (NM_032957.5); short protein forms L1135M, L1159M, L912M.
Identifiers: ClinVar variation 3790992 (VCV003790992.2).